The following is an entry in ClinVar:

NM_138691.3(TMC1):c.1334G>A (p.Arg445His)

Gene: TMC1 (transmembrane channel like 1; plus strand). Cytogenetic location: 9q21.13.
Variant type: single nucleotide variant.
Coding change: c.1334G>A on transcript NM_138691.3 (MANE Select); coding-DNA position 1334, G replaced by A.
Protein change: p.Arg445His; replaces arginine 445 with histidine.
Molecular consequence: missense variant.
Genome position (GRCh38, 1-based): chr9:72,791,995, G>A. VCF-style: chr9-72791995-G-A. GRCh37 (hg19) VCF-style: chr9-75406911-G-A.
Other names: c.1334G>A (NM_138691.2); short protein forms R445H.
Identifiers: ClinVar variation 1328187 (VCV001328187.15), dbSNP rs760532554, ClinGen allele CA5081926.

ClinVar aggregate classification (germline): Conflicting classifications of pathogenicity. Review status: criteria provided, conflicting classifications (1 of 4 stars). 8 submissions from 8 submitters: Pathogenic (2); Likely pathogenic (4); Uncertain significance (1). 1 of the submissions does not count toward it. Last evaluated 2026-05-07.

Conditions:
Autosomal dominant nonsyndromic hearing loss 36. Identifiers: Orphanet 90635, MedGen C1847626, MONDO:0011708, OMIM 606705.
Hearing impairment. Also called: Impaired Hearing. Identifiers: MedGen C1384666, MONDO:0005365, HP:0000365.
Nonsyndromic genetic hearing loss. Also called: Nonsyndromic hearing loss and deafness; Non-syndromic genetic deafness; Nonsyndromic genetic deafness. Identifiers: Orphanet 87884, MedGen C5680182, MONDO:0019497.
Autosomal recessive nonsyndromic hearing loss 7. Also called: DEAFNESS, AUTOSOMAL RECESSIVE 11. Identifiers: Orphanet 90636, MedGen C1832978, MONDO:0010967, OMIM 600974.
TMC1-related disorder. Also called: TMC1-related disorders; TMC1-related condition.

Allele frequency attached by ClinVar (database versions not stated): TOPMed below 0.00001; ExAC 0.00001; gnomAD 0.00001; gnomAD exomes 0.00001.
gnomAD v4.1: 17 of 1,613,884 alleles (0.0011%); highest among the groups gnomAD compares: Middle Eastern, 0.033%; no homozygotes.

Submissions (8):

PreventionGenetics, part of Exact Sciences
Classification: Likely pathogenic for TMC1-related condition. Last evaluated: 2026-05-07. Review status: criteria provided, single submitter. Criteria: ACMG Guidelines, 2015. Collection method: clinical testing. Allele origin: germline.
Comment: The TMC1 c.1334G>A variant is predicted to result in the amino acid substitution p.Arg445His. This variant was reported in the homozygous state in at least three individuals with hearing loss from two consanguineous families (Santos et al. 2005. PubMed ID: 16134132; Alkowari et al. 2017. PubMed ID: 28501645). This variant is reported in 0.0028% of alleles in individuals of Latino descent in gnomAD. An alternative substitution at this position (p.Arg445Cys) has been reported as pathogenic for autosomal recessive hearing loss (Sirmaci et al. 2009. PubMed ID: 19187973; Ganapathy et al. 2014. PubMed ID: 24416283; Nishio et al. 2022. PubMed ID: 34523024). This variant is interpreted as likely pathogenic.

GeneDx
Classification: Likely pathogenic. Last evaluated: 2026-03-31. Review status: criteria provided, single submitter. Criteria: GeneDx Variant Classification Process June 2021. Collection method: clinical testing. Allele origin: germline.
Comment: In silico analysis supports that this missense variant has a deleterious effect on protein structure/function; This variant is associated with the following publications: (PMID: Trang_2018_Article, 27018795, 16134132, 37963809, 28501645, 33524517, 16287143, 23767834)

Labcorp Genetics (formerly Invitae), Labcorp
Classification: Pathogenic. Last evaluated: 2025-06-27. Review status: criteria provided, single submitter. Criteria: Invitae Variant Classification Sherloc (09022015). Collection method: clinical testing. Allele origin: germline.
Comment: This sequence change replaces arginine, which is basic and polar, with histidine, which is basic and polar, at codon 445 of the TMC1 protein (p.Arg445His). This variant is present in population databases (rs760532554, gnomAD 0.003%). This missense change has been observed in individuals with autosomal recessive deafness (PMID: 16134132, 16287143, 28501645). It has also been observed to segregate with disease in related individuals. ClinVar contains an entry for this variant (Variation ID: 1328187). Invitae Evidence Modeling of protein sequence and biophysical properties (such as structural, functional, and spatial information, amino acid conservation, physicochemical variation, residue mobility, and thermodynamic stability) indicates that this missense variant is expected to disrupt TMC1 protein function with a positive predictive value of 95%. For these reasons, this variant has been classified as Pathogenic.

Fulgent Genetics
Classification: Likely pathogenic for Autosomal recessive nonsyndromic hearing loss 7; Autosomal dominant nonsyndromic hearing loss 36. Last evaluated: 2024-03-23. Review status: criteria provided, single submitter. Criteria: ACMG Guidelines, 2015. Collection method: clinical testing. Allele origin: germline.

Women's Health and Genetics/Laboratory Corporation of America, LabCorp
Classification: Pathogenic for Nonsyndromic genetic hearing loss. Last evaluated: 2024-03-18. Review status: criteria provided, single submitter. Criteria: LabCorp Variant Classification Summary - May 2015. Collection method: clinical testing. Allele origin: germline.
Comment: Variant summary: TMC1 c.1334G>A (p.Arg445His) results in a non-conservative amino acid change in the encoded protein sequence. Five of five in-silico tools predict a damaging effect of the variant on protein function. The variant allele was found at a frequency of 1.2e-05 in 251314 control chromosomes (gnomAD). c.1334G>A has been reported in the literature in multiple individuals affected with Nonsyndromic Hearing Loss And Deafness, Type 7 with evidence of cosegregation with disease (e.g. Kalay_2005). These data indicate that the variant is very likely to be associated with disease. Another missense change affecting this amino acid (p.Arg445Cys) has been determined to be pathogenic, suggesting this is a functionally important residue. The following publication has been ascertained in the context of this evaluation (PMID: 16287143). ClinVar contains an entry for this variant (Variation ID: 1328187). Based on the evidence outlined above, the variant was classified as pathogenic.

Laboratory for Molecular Medicine, Mass General Brigham Personalized Medicine
Classification: Likely pathogenic for Nonsyndromic genetic hearing loss. Last evaluated: 2023-02-02. Review status: criteria provided, single submitter. Criteria: ACMG Guidelines, 2015. Collection method: clinical testing. Allele origin: germline.
Comment: The p.Arg445His variant in TMC1 has been previously reported in 3 Middle Eastern/South Asian families with hearing loss and segregated in the homozygous state in over 10 affected family members (Santos 2005 PMID: 16134132, Kalay 2005 PMID: 16287143, Alkowari 2017 PMID: 28501645). It has also been identified in 0.003% (2/68024) of European chromosomes by gnomAD, v.3, and is present in ClinVar (Variation ID 1328187). Another variant involving this codon (p.Arg445Cys) has been identified in individuals with hearing loss and is classified as pathogenic by this laboratory. In summary, although additional studies are required to fully establish its clinical significance, this variant meets criteria to be classified as likely pathogenic for autosomal recessive nonsyndromic hearing loss. ACMG/AMP criteria applied: PP1_Strong, PM3, PM5, PM2_Supporting.

Illumina Laboratory Services, Illumina
Classification: Uncertain significance for Autosomal dominant nonsyndromic hearing loss 36. Last evaluated: 2021-07-22. Review status: criteria provided, single submitter. Criteria: ICSLVariantClassificationCriteria RUGD 01 April 2020. Collection method: clinical testing. Allele origin: unknown.
Comment: The TMC1 c.1334G>A (p.Arg445His) variant is a missense variant. The p.Arg445His variant has not been definitively reported in the literature in association with autosomal dominant hearing loss. The p.Arg445His variant been reported in six studies in association with an autosomal recessive form of the condition, in which it has been found in a homozygous state segregating with disease in two families with hearing loss, in a compound heterozygous state with either a splice variant or missense variant in two individuals with hearing loss, and in an unconfirmed heterozygous state in one individual with pre-lingual deafness (Kalay et al. 2005; Santos et al. 2005; Yang et al. 2013; Gao et al. 2016; Trang et al. 2018; Thanh et al. 2021). Across all studies, the p.Arg445His variant was absent from a total of 864 ethnically matched control chromosomes and is reported at a frequency of 0.000023 in the European (non-Finnish) population of the Genome Aggregation Database (version 2.1.1). The p.Arg445His variant is located in one of the transmembrane domains of the protein, with the Arg445 residue noted to be highly conserved (Santos et al. 2005). Multiple lines of computational evidence suggest that this variant is likely to have a deleterious impact on the protein, though these predictions have not been experimentally verified. Based on the available evidence, the p.Arg445GHis variant is classified as a variant of uncertain significance for autosomal dominant TMC1-related nonsyndromic hearing loss.

Yale Center for Mendelian Genomics, Yale University
Classification: Likely pathogenic for Hearing impairment. Last evaluated: 2021-01-29. Review status: no assertion criteria provided. Collection method: literature only. Allele origin: germline. Affected: yes. Observed: 1 homozygote. Study: Yale Center for Mendelian Genomics. Not counted in ClinVar's aggregate classification.

Literature cited by the submitters: PubMed 16134132 (cited by 3 submitters); PubMed 16287143 (cited by 4 submitters); PubMed 28501645 (cited by Labcorp Genetics (formerly Invitae), Labcorp); PubMed 23767834 (cited by Illumina Laboratory Services, Illumina); PubMed 33524517 (cited by Yale Center for Mendelian Genomics, Yale University).